The following is an entry in ClinVar:

NM_015662.3(IFT172):c.2103C>A (p.Ile701=)

Gene: IFT172 (intraflagellar transport 172; minus strand). Cytogenetic location: 2p23.3.
Variant type: single nucleotide variant.
Coding change: c.2103C>A on transcript NM_015662.3 (MANE Select); coding-DNA position 2103, C replaced by A.
Protein change: p.Ile701=; no amino-acid change (isoleucine 701 retained).
Molecular consequence: synonymous variant.
Genome position (GRCh38, 1-based): chr2:27,462,713, G>T on the plus strand (C>A on the coding strand, the complement: IFT172 is on the minus strand). VCF-style: chr2-27462713-G-T. GRCh37 (hg19) VCF-style: chr2-27685580-G-T.
Other names: c.2103C>A (NM_015662.2).
Identifiers: ClinVar variation 1138960 (VCV001138960.11), dbSNP rs138604630, ClinGen allele CA1580415.
Genomic context (GRCh38, chr2:27,462,713, plus strand): 5'-TTTTTCCCTCATATCCCCTCTTCCATCCTGTCCCTCTTTTCCTATTACCTGTTCCAAAAA[G>T]ATCATTTCAGCCAGTTTGTAGTTCTTTTCCAGCATGGCTAGACGTGCTCGGACCTGATAA-3'
Protein context (NP_056477.1, residues 691-711): LEKNYKLAEM[Ile701=]FLEQNAVEEA

ClinVar aggregate classification (germline): Conflicting classifications of pathogenicity. Review status: criteria provided, conflicting classifications (1 of 4 stars). 4 submissions from 4 submitters: Uncertain significance (1); Likely benign (2). 1 of the submissions does not count toward it. Last evaluated 2025-11-28.

Conditions:
Retinitis pigmentosa 71 (RP71). Identifiers: Orphanet 791, MedGen C4225342, MONDO:0014618, OMIM 616394.
Short-rib thoracic dysplasia 10 with or without polydactyly (SRTD10). Identifiers: Orphanet 474, MedGen C3810175, MONDO:0014284, OMIM 615630.
Bardet-Biedl syndrome 20. Identifiers: MedGen C4310707, MONDO:0023670, OMIM 619471, MONDO:0014926.
IFT172-related disorder. Also called: IFT172-related disorders; IFT172-related condition.

Allele frequency attached by ClinVar (database versions not stated): gnomAD 0.00008 and 0.00009; TOPMed 0.00008; gnomAD exomes 0.00017 and 0.00019; ESP Exome Variant Server 0.00023; ExAC 0.00031.
gnomAD v4.1: 294 of 1,613,352 alleles (0.018%); highest among the groups gnomAD compares: Non-Finnish European, 0.023%; no homozygotes.

Submissions (4):

Labcorp Genetics (formerly Invitae), Labcorp
Classification: Likely benign for Retinitis pigmentosa 71; Short-rib thoracic dysplasia 10 with or without polydactyly. Last evaluated: 2025-11-28. Review status: criteria provided, single submitter. Criteria: Invitae Variant Classification Sherloc (09022015). Collection method: clinical testing. Allele origin: germline.

Blueprint Genetics
Classification: Likely benign. Last evaluated: 2024-05-30. Review status: criteria provided, single submitter. Criteria: ACMG Guidelines, 2015. Collection method: clinical testing. Allele origin: germline.

Fulgent Genetics
Classification: Uncertain significance for Short-rib thoracic dysplasia 10 with or without polydactyly; Retinitis pigmentosa 71; Bardet-Biedl syndrome 20. Last evaluated: 2024-03-28. Review status: criteria provided, single submitter. Criteria: ACMG Guidelines, 2015. Collection method: clinical testing. Allele origin: germline.

PreventionGenetics, part of Exact Sciences
Classification: Likely benign for IFT172-related condition. Last evaluated: 2022-01-22. Review status: no assertion criteria provided. Collection method: clinical testing. Allele origin: germline. Not counted in ClinVar's aggregate classification.
Comment: This variant is classified as likely benign based on ACMG/AMP sequence variant interpretation guidelines (Richards et al. 2015 PMID: 25741868, with internal and published modifications).